The following is an entry in ClinVar:

ClinVar aggregate classification (germline): Uncertain significance (1 of 4 stars; one submission).

Submission:

Labcorp Genetics (formerly Invitae), Labcorp
Classification: Uncertain significance. Last evaluated: 2021-12-03. Review status: criteria provided, single submitter. Criteria: Invitae Variant Classification Sherloc (09022015). Collection method: clinical testing. Allele origin: germline.
Comment: This sequence change replaces isoleucine, which is neutral and non-polar, with valine, which is neutral and non-polar, at codon 772 of the UBR1 protein (p.Ile772Val). This variant is not present in population databases (gnomAD no frequency). This variant has not been reported in the literature in individuals affected with UBR1-related conditions. Algorithms developed to predict the effect of missense changes on protein structure and function (SIFT, PolyPhen-2, Align-GVGD) all suggest that this variant is likely to be tolerated. In summary, the available evidence is currently insufficient to determine the role of this variant in disease. Therefore, it has been classified as a Variant of Uncertain Significance.

NM_174916.3(UBR1):c.2314A>G (p.Ile772Val)

Gene: UBR1 (ubiquitin protein ligase E3 component n-recognin 1; minus strand). Cytogenetic location: 15q15.2.
Variant type: single nucleotide variant.
Coding change: c.2314A>G on transcript NM_174916.3 (MANE Select); coding-DNA position 2314, A replaced by G.
Protein change: p.Ile772Val; replaces isoleucine 772 with valine.
Molecular consequence: missense variant.
Genome position (GRCh38, 1-based): chr15:43,030,009, T>C on the plus strand (A>G on the coding strand, the complement: UBR1 is on the minus strand). VCF-style: chr15-43030009-T-C. GRCh37 (hg19) VCF-style: chr15-43322207-T-C.
Other names: short protein forms I772V.
Identifiers: ClinVar variation 1483271 (VCV001483271.6), dbSNP rs2141310474, ClinGen allele CA392070774.